The following is an entry in ClinVar:

NM_000138.5(FBN1):c.6601A>G (p.Met2201Val)

Gene: FBN1 (fibrillin 1; minus strand). Cytogenetic location: 15q21.1.
Variant type: single nucleotide variant.
Coding change: c.6601A>G on transcript NM_000138.5 (MANE Select); coding-DNA position 6601, A replaced by G.
Protein change: p.Met2201Val; replaces methionine 2201 with valine.
Molecular consequence: missense variant.
Genome position (GRCh38, 1-based): chr15:48,434,609, T>C on the plus strand (A>G on the coding strand, the complement: FBN1 is on the minus strand). VCF-style: chr15-48434609-T-C. GRCh37 (hg19) VCF-style: chr15-48726806-T-C.
Other names: p.Met2201Val; short protein forms M2201V.
Identifiers: ClinVar variation 807242 (VCV000807242.29), dbSNP rs776823384, ClinGen allele CA057044.
Genomic context (GRCh38, chr15:48,434,609, plus strand): 5'-AGGATCAGTACACGTAATCAACTGTTCTCTGTTTAAGAGATGTACCTTCACATGTCATCA[T>C]TGGACCGGGCTCAAATCCCTCCTCGCAGGTGCATTCAAAACCTCCAATCACATTCTTGCA-3'
Protein context (NP_000129.3, residues 2191-2211): TCEEGFEPGP[Met2201Val]MTCEDINECA

ClinVar aggregate classification (germline): Uncertain significance. Review status: criteria provided, multiple submitters, no conflicts (2 of 4 stars). 7 submissions from 7 submitters: Uncertain significance (7). Last evaluated 2025-12-31.

Conditions:
Geleophysic dysplasia 2 (GPHYSD2). Identifiers: Orphanet 2623, MedGen C3280054, MONDO:0013612, OMIM 614185.
Ectopia lentis 1, isolated, autosomal dominant (ECTOL1). Identifiers: Orphanet 1885, MedGen C3541518, MONDO:0007514, OMIM 129600.
MASS syndrome (OCTD). Also called: OVERLAP CONNECTIVE TISSUE DISEASE; MASS PHENOTYPE. Identifiers: MedGen C1858556, MONDO:0011431, OMIM 604308.
Weill-Marchesani syndrome 2, dominant. Also called: FBN1-Related Weill-Marchesani Syndrome; Weill-Marchesani Syndrome, Autosomal Dominant. Identifiers: Orphanet 2084, MedGen C1869115, MONDO:0012013, OMIM 608328.
Acromicric dysplasia (ACMICD). Also called: Acromicric skeletal dysplasia. Identifiers: Orphanet 969, MedGen C0265287, MONDO:0007055, OMIM 102370.
Marfan syndrome (MFS). Also called: FBN1-Related Marfan Syndrome; Marfan's syndrome; MARFAN SYNDROME, TYPE I; Marfan syndrome type 1; Marfan syndrome, classic. Identifiers: Orphanet 284963, Orphanet 558, MedGen C0024796, MONDO:0007947, OMIM 154700.
Stiff skin syndrome (SSKS). Identifiers: Orphanet 2833, MedGen C1861456, MONDO:0008492, OMIM 184900.
Progeroid and marfanoid aspect-lipodystrophy syndrome. Also called: MARFANOID-PROGEROID-LIPODYSTROPHY SYNDROME; Marfan lipodystrophy syndrome; MARFANOID-PROGEROID SYNDROME; MARFAN-PROGEROID-LIPODYSTROPHY SYNDROME. Identifiers: Orphanet 300382, MedGen C4310796, MONDO:0014831, OMIM 616914.
Familial thoracic aortic aneurysm and aortic dissection (TAAD). Also called: Thoracic aortic aneurysms and dissections. Identifiers: Orphanet 91387, MedGen C4707243, MONDO:0019625.

Allele frequency attached by ClinVar (database versions not stated): gnomAD 0.00001 and 0.00002.
gnomAD v4.1: 39 of 1,613,680 alleles (0.0024%); highest among the groups gnomAD compares: South Asian, 0.0099%; no homozygotes.

Submissions (7):

Labcorp Genetics (formerly Invitae), Labcorp
Classification: Uncertain significance for Marfan syndrome; Familial thoracic aortic aneurysm and aortic dissection. Last evaluated: 2025-12-31. Review status: criteria provided, single submitter. Criteria: Invitae Variant Classification Sherloc (09022015). Collection method: clinical testing. Allele origin: germline.
Comment: This sequence change replaces methionine, which is neutral and non-polar, with valine, which is neutral and non-polar, at codon 2201 of the FBN1 protein (p.Met2201Val). This variant is present in population databases (rs776823384, gnomAD 0.01%). This missense change has been observed in individual(s) with FBN1-related conditions (PMID: 25944730, 33483584). ClinVar contains an entry for this variant (Variation ID: 807242). Invitae Evidence Modeling of protein sequence and biophysical properties (such as structural, functional, and spatial information, amino acid conservation, physicochemical variation, residue mobility, and thermodynamic stability) has been performed for this missense variant. However, the output from this modeling did not meet the statistical confidence thresholds required to predict the impact of this variant on FBN1 protein function. In summary, the available evidence is currently insufficient to determine the role of this variant in disease. Therefore, it has been classified as a Variant of Uncertain Significance.

Mayo Clinic Laboratories, Mayo Clinic
Classification: Uncertain significance. Last evaluated: 2025-05-07. Review status: criteria provided, single submitter. Criteria: ACMG Guidelines, 2015. Collection method: clinical testing. Allele origin: germline. Observed: 1 variant allele.
Comment: BS1, PP2

All of Us Research Program, National Institutes of Health
Classification: Uncertain significance for Marfan syndrome. Last evaluated: 2024-04-10. Review status: criteria provided, single submitter. Criteria: ACMG Guidelines, 2015. Collection method: clinical testing. Allele origin: germline. Inheritance: Autosomal dominant inheritance. Observed: 4 variant alleles, 4 heterozygotes.
Comment: This missense variant replaces methionine with valine at codon 2201 of the FBN1 protein. Computational prediction is inconclusive regarding the impact of this variant on protein structure and function (internally defined REVEL score threshold 0.5 < inconclusive < 0.7, PMID: 27666373). To our knowledge, functional studies have not been reported for this variant. This variant has been reported in one individual referred for aortopathy panel testing (PMID: 25944730) and one individual in the control cohort (PMID: 16220557). This variant has been identified in 7/251260 chromosomes in the general population by the Genome Aggregation Database (gnomAD). The available evidence is insufficient to determine the role of this variant in disease conclusively. Therefore, this variant is classified as a Variant of Uncertain Significance.

This study involves interpretation of variants in research participants for the purpose of population health screening. Participant phenotype was not available at the time of variant classification. Additional details can be found in publication PMID: 35346344, PMCID: PMC8962531

Color Diagnostics, LLC DBA Color Health
Classification: Uncertain significance for Familial thoracic aortic aneurysm and aortic dissection. Last evaluated: 2024-02-22. Review status: criteria provided, single submitter. Criteria: ACMG Guidelines, 2015. Collection method: clinical testing. Allele origin: germline.
Comment: This missense variant replaces methionine with valine at codon 2201 of the FBN1 protein. Computational prediction is inconclusive regarding the impact of this variant on protein structure and function. To our knowledge, functional studies have not been reported for this variant. This variant has been reported in a healthy individual unaffected with Marfan syndrome (PMID: 16220557). This variant has been identified in 7/251260 chromosomes in the general population by the Genome Aggregation Database (gnomAD). The available evidence is insufficient to determine the role of this variant in disease conclusively. Therefore, this variant is classified as a Variant of Uncertain Significance.

Blueprint Genetics
Classification: Uncertain significance. Last evaluated: 2023-11-15. Review status: criteria provided, single submitter. Criteria: ACMG Guidelines, 2015. Collection method: clinical testing. Allele origin: germline.

Fulgent Genetics
Classification: Uncertain significance for Acromicric dysplasia; Ectopia lentis 1, isolated, autosomal dominant; Marfan syndrome; Stiff skin syndrome; MASS syndrome; Weill-Marchesani syndrome 2, dominant; Geleophysic dysplasia 2; Progeroid and marfanoid aspect-lipodystrophy syndrome. Last evaluated: 2021-11-17. Review status: criteria provided, single submitter. Criteria: ACMG Guidelines, 2015. Collection method: clinical testing. Allele origin: unknown.

CHEO Genetics Diagnostic Laboratory, Children's Hospital of Eastern Ontario
Classification: Uncertain significance for Familial thoracic aortic aneurysm and aortic dissection. Last evaluated: 2019-11-01. Review status: criteria provided, single submitter. Criteria: ACMG Guidelines, 2015. Collection method: clinical testing. Allele origin: germline.

Literature cited by the submitters: PubMed 25944730 (cited by 3 submitters); PubMed 33483584 (cited by Labcorp Genetics (formerly Invitae), Labcorp and Mayo Clinic Laboratories, Mayo Clinic); PubMed 16220557 (cited by 3 submitters).